The following is an entry in ClinVar:

NM_181523.3(PIK3R1):c.917-1501C>T

Gene: PIK3R1 (phosphoinositide-3-kinase regulatory subunit 1; plus strand). Cytogenetic location: 5q13.1.
Variant type: single nucleotide variant.
Coding change: c.917-1501C>T on transcript NM_181523.3 (MANE Select); 1501 bases into the intron before coding-DNA position 917, C replaced by T.
Molecular consequence: intron variant. On other transcripts: synonymous variant (1).
Genome position (GRCh38, 1-based): chr5:68,290,758, C>T. VCF-style: chr5-68290758-C-T. GRCh37 (hg19) VCF-style: chr5-67586586-C-T.
Other names: c.30C>T, p.Asp10= (NM_181504.4); c.17-1501C>T (NM_181524.2).
Identifiers: ClinVar variation 3054190 (VCV003054190.3), dbSNP rs556342472, ClinGen allele CA3290221.

ClinVar aggregate classification (germline): Likely benign. Review status: criteria provided, single submitter (1 of 4 stars). 2 submissions from 2 submitters: Likely benign (1). 1 of the submissions does not count toward it. Last evaluated 2024-10-23.

Conditions:
PIK3R1-related disorder. Also called: PIK3R1-related condition.

Allele frequency attached by ClinVar (database versions not stated): gnomAD 0.00007; ExAC 0.00024; 1000 Genomes Project 30x 0.00031; 1000 Genomes Project 0.00040.
gnomAD v4.1: 134 of 1,613,460 alleles (0.0083%); highest among the groups gnomAD compares: South Asian, 0.14%; 2 homozygotes.

Submissions (2):

Blueprint Genetics
Classification: Likely benign. Last evaluated: 2024-10-23. Review status: criteria provided, single submitter. Criteria: ACMG Guidelines, 2015. Collection method: clinical testing. Allele origin: germline.

PreventionGenetics, part of Exact Sciences
Classification: Likely benign for PIK3R1-related condition. Last evaluated: 2023-05-29. Review status: no assertion criteria provided. Collection method: clinical testing. Allele origin: germline. Not counted in ClinVar's aggregate classification.
Comment: This variant is classified as likely benign based on ACMG/AMP sequence variant interpretation guidelines (Richards et al. 2015 PMID: 25741868, with internal and published modifications).